The following is an entry in ClinVar:

NM_001013838.3(CARMIL2):c.4093G>A (p.Glu1365Lys)

Gene: CARMIL2 (capping protein regulator and myosin 1 linker 2; plus strand). Cytogenetic location: 16q22.1.
Variant type: single nucleotide variant.
Coding change: c.4093G>A on transcript NM_001013838.3 (MANE Select); coding-DNA position 4093, G replaced by A.
Protein change: p.Glu1365Lys; replaces glutamic acid 1365 with lysine.
Molecular consequence: missense variant. On other transcripts: intron variant (1).
Genome position (GRCh38, 1-based): chr16:67,656,857, G>A. VCF-style: chr16-67656857-G-A. GRCh37 (hg19) VCF-style: chr16-67690760-G-A.
Other names: c.3928+212G>A (NM_001317026.3); short protein forms E1365K.
Identifiers: ClinVar variation 1916765 (VCV001916765.5), dbSNP rs756164940, ClinGen allele CA8114255.

ClinVar aggregate classification (germline): Uncertain significance (1 of 4 stars; one submission).

Allele frequency attached by ClinVar (database versions not stated): gnomAD 0.00001; gnomAD exomes 0.00002; ExAC 0.00016.
gnomAD v4.1: 31 of 1,550,206 alleles (0.002%); highest among the groups gnomAD compares: South Asian, 0.037%; no homozygotes.

Submission:

Labcorp Genetics (formerly Invitae), Labcorp
Classification: Uncertain significance. Last evaluated: 2022-06-08. Review status: criteria provided, single submitter. Criteria: Invitae Variant Classification Sherloc (09022015). Collection method: clinical testing. Allele origin: germline.
Comment: This variant has not been reported in the literature in individuals affected with CARMIL2-related conditions. In summary, the available evidence is currently insufficient to determine the role of this variant in disease. Therefore, it has been classified as a Variant of Uncertain Significance. Algorithms developed to predict the effect of missense changes on protein structure and function are either unavailable or do not agree on the potential impact of this missense change (SIFT: "Deleterious"; PolyPhen-2: "Probably Damaging"; Align-GVGD: "Class C0"). This variant is present in population databases (rs756164940, gnomAD 0.05%). This sequence change replaces glutamic acid, which is acidic and polar, with lysine, which is basic and polar, at codon 1365 of the CARMIL2 protein (p.Glu1365Lys).